The following is an entry in ClinVar:

ClinVar aggregate classification (germline): Uncertain significance (1 of 4 stars; one submission).

Conditions:
Combined oxidative phosphorylation defect type 14. Also called: Combined oxidative phosphorylation deficiency 14. Identifiers: Orphanet 319519, MedGen C4755312, MONDO:0013986, OMIM 614946.

Submission:

Labcorp Genetics (formerly Invitae), Labcorp
Classification: Uncertain significance for Combined oxidative phosphorylation defect type 14. Last evaluated: 2025-08-17. Review status: criteria provided, single submitter. Criteria: Invitae Variant Classification Sherloc (09022015). Collection method: clinical testing. Allele origin: germline.
Comment: This sequence change replaces valine, which is neutral and non-polar, with alanine, which is neutral and non-polar, at codon 239 of the FARS2 protein (p.Val239Ala). This variant is present in population databases (no rsID available, gnomAD 0.006%). This variant has not been reported in the literature in individuals affected with FARS2-related conditions. Invitae Evidence Modeling of protein sequence and biophysical properties (such as structural, functional, and spatial information, amino acid conservation, physicochemical variation, residue mobility, and thermodynamic stability) has been performed for this missense variant. However, the output from this modeling did not meet the statistical confidence thresholds required to predict the impact of this variant on FARS2 protein function. In summary, the available evidence is currently insufficient to determine the role of this variant in disease. Therefore, it has been classified as a Variant of Uncertain Significance.

NM_006567.5(FARS2):c.716T>C (p.Val239Ala)

Gene: FARS2 (phenylalanyl-tRNA synthetase 2, mitochondrial; plus strand). Cytogenetic location: 6p25.1.
Variant type: single nucleotide variant.
Coding change: c.716T>C on transcript NM_006567.5 (MANE Select); coding-DNA position 716, T replaced by C.
Protein change: p.Val239Ala; replaces valine 239 with alanine.
Molecular consequence: missense variant.
Genome position (GRCh38, 1-based): chr6:5,404,645, T>C. VCF-style: chr6-5404645-T-C. GRCh37 (hg19) VCF-style: chr6-5404878-T-C.
Other names: c.716T>C, p.Val239Ala (NM_001318872.2, NM_001374875.1, NM_001374876.1 and 5 more transcripts); c.20T>C, p.Val7Ala (NM_001375259.1, NM_001375260.1); short protein forms V239A, V7A.
Identifiers: ClinVar variation 4776485 (VCV004776485.1).